The following is an entry in ClinVar:

NM_032043.3(BRIP1):c.2492G>C (p.Arg831Thr)

Gene: BRIP1 (BRCA1 interacting DNA helicase 1; minus strand). Cytogenetic location: 17q23.2.
Variant type: single nucleotide variant.
Coding change: c.2492G>C on transcript NM_032043.3 (MANE Select); coding-DNA position 2492, G replaced by C.
Protein change: p.Arg831Thr; replaces arginine 831 with threonine.
Molecular consequence: missense variant.
Genome position (GRCh38, 1-based): chr17:61,715,951, C>G on the plus strand (G>C on the coding strand, the complement: BRIP1 is on the minus strand). VCF-style: chr17-61715951-C-G. GRCh37 (hg19) VCF-style: chr17-59793312-C-G.
Other names: short protein forms R831T.
Identifiers: ClinVar variation 4783580 (VCV004783580.1).

ClinVar aggregate classification (germline): Uncertain significance (1 of 4 stars; one submission).

Conditions:
Fanconi anemia complementation group J. Also called: BRIP1-Related Fanconi Anemia. Identifiers: Orphanet 84, MedGen C1836860, MONDO:0012187, OMIM 609054.
Familial cancer of breast. Also called: Hereditary breast cancer; hereditary breast carcinoma; BREAST CANCER, FAMILIAL. Identifiers: Orphanet 227535, MedGen C0346153, MONDO:0016419, OMIM 114480. Disease mechanism: loss of function.

Submission:

Labcorp Genetics (formerly Invitae), Labcorp
Classification: Uncertain significance for Familial cancer of breast; Fanconi anemia complementation group J. Last evaluated: 2025-07-10. Review status: criteria provided, single submitter. Criteria: Invitae Variant Classification Sherloc (09022015). Collection method: clinical testing. Allele origin: germline.
Comment: This sequence change replaces arginine, which is basic and polar, with threonine, which is neutral and polar, at codon 831 of the BRIP1 protein (p.Arg831Thr). This variant also falls at the last nucleotide of exon 17, which is part of the consensus splice site for this exon. This variant is not present in population databases (gnomAD no frequency). This variant has not been reported in the literature in individuals affected with BRIP1-related conditions. Invitae Evidence Modeling of protein sequence and biophysical properties (such as structural, functional, and spatial information, amino acid conservation, physicochemical variation, residue mobility, and thermodynamic stability) has been performed for this missense variant. However, the output from this modeling did not meet the statistical confidence thresholds required to predict the impact of this variant on BRIP1 protein function. Variants that disrupt the consensus splice site are a relatively common cause of aberrant splicing (PMID: 17576681, 9536098). Algorithms developed to predict the effect of sequence changes on RNA splicing suggest that this variant may disrupt the consensus splice site. In summary, the available evidence is currently insufficient to determine the role of this variant in disease. Therefore, it has been classified as a Variant of Uncertain Significance.

Literature cited by the submitters: PubMed 17576681; PubMed 9536098.